The following is an entry in ClinVar:

ClinVar aggregate classification (germline): Likely benign (0 of 4 stars; one submission).

Conditions:
ST7-related disorder. Also called: ST7-related condition.

Allele frequency attached by ClinVar (database versions not stated): gnomAD 0.00007; ESP Exome Variant Server 0.00008; ExAC 0.00009; gnomAD exomes 0.00015; 1000 Genomes Project 0.00020; 1000 Genomes Project 30x 0.00031.
gnomAD v4.1: 229 of 1,605,626 alleles (0.014%); highest among the groups gnomAD compares: Non-Finnish European, 0.018%; no homozygotes.

Submission:

PreventionGenetics, part of Exact Sciences
Classification: Likely benign for ST7-related condition. Last evaluated: 2019-10-01. Review status: no assertion criteria provided. Collection method: clinical testing. Allele origin: germline.
Comment: This variant is classified as likely benign based on ACMG/AMP sequence variant interpretation guidelines (Richards et al. 2015 PMID: 25741868, with internal and published modifications).

NM_001369598.1(ST7):c.1395G>A (p.Thr465=)

Genes: ST7 (suppression of tumorigenicity 7; plus strand), ST7-OT3 (ST7 overlapping transcript 3; plus strand). Cytogenetic location: 7q31.2.
Variant type: single nucleotide variant.
Coding change: c.1395G>A on transcript NM_001369598.1 (MANE Select); coding-DNA position 1395, G replaced by A.
Protein change: p.Thr465=; no amino-acid change (threonine 465 retained).
Molecular consequence: synonymous variant. On other transcripts: non-coding transcript variant (7), intron variant (1).
Genome position (GRCh38, 1-based): chr7:117,209,927, G>A. VCF-style: chr7-117209927-G-A. GRCh37 (hg19) VCF-style: chr7-116849981-G-A.
Other names: c.1266G>A, p.Thr422= (NM_001369599.1); c.1197G>A, p.Thr399= (NM_001369600.1); c.1257G>A, p.Thr419= (NM_001369602.1); c.1188G>A, p.Thr396= (NM_001369603.1); c.1326G>A, p.Thr442= (NM_001369604.1, NM_018412.4); c.1245G>A, p.Thr415= (NM_001369606.1); c.1176G>A, p.Thr392= (NM_001369607.1); c.1395G>A, p.Thr465= (NM_021908.3); and 1 more.
Identifiers: ClinVar variation 3039795 (VCV003039795.2), dbSNP rs200412574, ClinGen allele CA4449610.